The following is an entry in ClinVar:

NM_012318.3(LETM1):c.888_889del (p.Arg299fs)

Gene: LETM1 (leucine zipper and EF-hand containing transmembrane protein 1; minus strand). Cytogenetic location: 4p16.3.
Variant type: Deletion.
Coding change: c.888_889del on transcript NM_012318.3 (MANE Select); coding-DNA positions 888 to 889, 2 bases deleted (AG; older notation c.888_889delAG).
Protein change: p.Arg299fs; shifts the reading frame from arginine 299.
Molecular consequence: frameshift variant.
Genome position (GRCh38, 1-based): chr4:1,832,935-1,832,936, CT deleted on the plus strand (AG on the coding strand, the reverse complement: LETM1 is on the minus strand). VCF-style (leftmost placement, unchanged base first): chr4-1832934-CCT-C. GRCh37 (hg19) VCF-style: chr4-1834661-CCT-C.
Other names: c.888_889delAG (NM_012318.3); short protein forms R299fs.
Identifiers: ClinVar variation 1370872 (VCV001370872.8), dbSNP rs775607436, ClinGen allele CA2811472.

ClinVar aggregate classification (germline): Conflicting classifications of pathogenicity. Review status: criteria provided, conflicting classifications (1 of 4 stars). 4 submissions from 4 submitters: Likely pathogenic (1); Uncertain significance (3). Last evaluated 2026-02-02.

Conditions:
Neurodegeneration, childhood-onset, with multisystem involvement due to mitochondrial dysfunction. Identifiers: MedGen C5774240, MONDO:0859304, OMIM 620089.
Optic neuropathy. Also called: Optic nerve disorder. Identifiers: MedGen C3887709, MONDO:0002135, HP:0001138.

Allele frequency attached by ClinVar (database versions not stated): ESP Exome Variant Server 0.00008; ExAC 0.00013; gnomAD 0.00012 and 0.00014; gnomAD exomes 0.00017 and 0.00016; TOPMed 0.00012.

Submissions (4):

Genetics Laboratory, Great Ormond Street Hospital NHS Foundation Trust, North Thames Genomic Laboratory Hub
Classification: Uncertain significance for Optic neuropathy. Last evaluated: 2026-02-02. Review status: criteria provided, single submitter. Criteria: ACGS Best Practice Guidelines for Variant Classification in Rare Disease 2024 v1.2. Collection method: clinical testing. Allele origin: germline. Affected: yes.
Comment: PVS1_very-strong

First Genomix Gene Laboratory, Genetic Diagnostics Department
Classification: Likely pathogenic for Neurodegeneration, childhood-onset, with multisystem involvement due to mitochondrial dysfunction. Last evaluated: 2025-06-02. Review status: criteria provided, single submitter. Criteria: ACMG Guidelines, 2015. Collection method: clinical testing. Allele origin: germline. Inheritance: Autosomal recessive inheritance. Affected: no. Observed: 1 variant allele.

Women's Health and Genetics/Laboratory Corporation of America, LabCorp
Classification: Uncertain significance. Last evaluated: 2025-01-24. Review status: criteria provided, single submitter. Criteria: LabCorp Variant Classification Summary - May 2015. Collection method: clinical testing. Allele origin: germline.
Comment: Variant summary: LETM1 c.888_889delAG (p.Arg299AlafsX4) results in a premature termination codon, predicted to cause a truncation of the encoded protein or absence of the protein due to nonsense mediated decay, however current evidence is not sufficient to establish loss of function as a mechanism for disease. The variant allele was found at a frequency of 0.00016 in 251046 control chromosomes. This frequency is not significantly higher than estimated for a pathogenic variant in LETM1 causing Neurodegeneration, Childhood-Onset, With Multisystem Involvement Due To Mitochondrial Dysfunction, allowing no conclusion about variant significance. To our knowledge, no occurrence of c.888_889delAG in individuals affected with Neurodegeneration, Childhood-Onset, With Multisystem Involvement Due To Mitochondrial Dysfunction and no experimental evidence demonstrating its impact on protein function have been reported. ClinVar contains an entry for this variant (Variation ID: 1370872). Based on the evidence outlined above, the variant was classified as uncertain significance.

Labcorp Genetics (formerly Invitae), Labcorp
Classification: Uncertain significance. Last evaluated: 2025-01-16. Review status: criteria provided, single submitter. Criteria: Invitae Variant Classification Sherloc (09022015). Collection method: clinical testing. Allele origin: germline.
Comment: This sequence change creates a premature translational stop signal (p.Arg299Alafs*4) in the LETM1 gene. It is expected to result in an absent or disrupted protein product. However, the current clinical and genetic evidence is not sufficient to establish whether loss-of-function variants in LETM1 cause disease. This variant is present in population databases (rs775607436, gnomAD 0.1%). This variant has not been reported in the literature in individuals affected with LETM1-related conditions. ClinVar contains an entry for this variant (Variation ID: 1370872). In summary, the available evidence is currently insufficient to determine the role of this variant in disease. Therefore, it has been classified as a Variant of Uncertain Significance.